The following is an entry in ClinVar:

NM_001102564.3(IFT43):c.485C>T (p.Ala162Val)

Gene: IFT43 (intraflagellar transport 43; plus strand). Cytogenetic location: 14q24.3.
Variant type: single nucleotide variant.
Coding change: c.485C>T on transcript NM_001102564.3 (MANE Select); coding-DNA position 485, C replaced by T.
Protein change: p.Ala162Val; replaces alanine 162 with valine.
Molecular consequence: missense variant. On other transcripts: non-coding transcript variant (2).
Genome position (GRCh38, 1-based): chr14:76,083,267, C>T. VCF-style: chr14-76083267-C-T. GRCh37 (hg19) VCF-style: chr14-76549610-C-T.
Other names: c.500C>T, p.Ala167Val (NM_052873.3); c.500C>T (NM_052873.2); short protein forms A162V, A167V.
Identifiers: ClinVar variation 1370800 (VCV001370800.5), dbSNP rs371422510, ClinGen allele CA7280920.

ClinVar aggregate classification (germline): Uncertain significance. Review status: criteria provided, multiple submitters, no conflicts (2 of 4 stars). 3 submissions from 3 submitters: Uncertain significance (3). Last evaluated 2024-07-30.

Conditions:
Short-rib thoracic dysplasia 18 with polydactyly. Identifiers: MedGen C4693420, MONDO:0036483, OMIM 617866.
Retinitis pigmentosa 81 (RP81). Identifiers: MedGen C4693443, MONDO:0036482, OMIM 617871.
Cranioectodermal dysplasia 3 (CED3). Identifiers: Orphanet 1515, MedGen C3279807, MONDO:0013573, OMIM 614099.

Allele frequency attached by ClinVar (database versions not stated): gnomAD 0.00001; gnomAD exomes 0.00002 and 0.00004; TOPMed 0.00002; ExAC 0.00006; ESP Exome Variant Server 0.00008.
gnomAD v4.1: 27 of 1,613,686 alleles (0.0017%); highest among the groups gnomAD compares: East Asian, 0.011%; no homozygotes.

Submissions (3):

Ambry Genetics
Classification: Uncertain significance. Last evaluated: 2024-07-30. Review status: criteria provided, single submitter. Criteria: Ambry Variant Classification Scheme 2023. Collection method: clinical testing. Allele origin: germline.

Labcorp Genetics (formerly Invitae), Labcorp
Classification: Uncertain significance. Last evaluated: 2022-08-16. Review status: criteria provided, single submitter. Criteria: Invitae Variant Classification Sherloc (09022015). Collection method: clinical testing. Allele origin: germline.
Comment: This sequence change replaces alanine, which is neutral and non-polar, with valine, which is neutral and non-polar, at codon 167 of the IFT43 protein (p.Ala167Val). This variant is present in population databases (rs371422510, gnomAD 0.01%). This variant has not been reported in the literature in individuals affected with IFT43-related conditions. ClinVar contains an entry for this variant (Variation ID: 1370800). Algorithms developed to predict the effect of missense changes on protein structure and function output the following: SIFT: "Tolerated"; PolyPhen-2: "Benign"; Align-GVGD: "Class C0". The valine amino acid residue is found in multiple mammalian species, which suggests that this missense change does not adversely affect protein function. In summary, the available evidence is currently insufficient to determine the role of this variant in disease. Therefore, it has been classified as a Variant of Uncertain Significance.

Fulgent Genetics
Classification: Uncertain significance for Cranioectodermal dysplasia 3; Short-rib thoracic dysplasia 18 with polydactyly; Retinitis pigmentosa 81. Last evaluated: 2021-11-06. Review status: criteria provided, single submitter. Criteria: ACMG Guidelines, 2015. Collection method: clinical testing. Allele origin: unknown.